The following is an entry in ClinVar:

NM_000701.8(ATP1A1):c.758C>T (p.Thr253Ile)

Gene: ATP1A1 (ATPase Na+/K+ transporting subunit alpha 1; plus strand). Cytogenetic location: 1p13.1.
Variant type: single nucleotide variant.
Coding change: c.758C>T on transcript NM_000701.8 (MANE Select); coding-DNA position 758, C replaced by T.
Protein change: p.Thr253Ile; replaces threonine 253 with isoleucine.
Molecular consequence: missense variant.
Genome position (GRCh38, 1-based): chr1:116,389,442, C>T. VCF-style: chr1-116389442-C-T. GRCh37 (hg19) VCF-style: chr1-116932064-C-T.
Other names: c.758C>T, p.Thr253Ile (NM_001160233.2); c.665C>T, p.Thr222Ile (NM_001160234.2); short protein forms T222I, T253I.
Identifiers: ClinVar variation 2710400 (VCV002710400.4), dbSNP rs2525834006, ClinGen allele CA341843363.

ClinVar aggregate classification (germline): Uncertain significance. Review status: criteria provided, multiple submitters, no conflicts (2 of 4 stars). 2 submissions from 2 submitters: Uncertain significance (2). Last evaluated 2024-09-30.

Allele frequency attached by ClinVar (database versions not stated): gnomAD exomes below 0.00001.
gnomAD v4.1: 3 of 1,613,984 alleles (0.00019%); highest among the groups gnomAD compares: Non-Finnish European, 0.00025%; no homozygotes.

Submissions (2):

Blueprint Genetics
Classification: Uncertain significance. Last evaluated: 2024-09-30. Review status: criteria provided, single submitter. Criteria: ACMG Guidelines, 2015. Collection method: clinical testing. Allele origin: germline.

Labcorp Genetics (formerly Invitae), Labcorp
Classification: Uncertain significance. Last evaluated: 2024-03-27. Review status: criteria provided, single submitter. Criteria: Invitae Variant Classification Sherloc (09022015). Collection method: clinical testing. Allele origin: germline.
Comment: This sequence change replaces threonine, which is neutral and polar, with isoleucine, which is neutral and non-polar, at codon 253 of the ATP1A1 protein (p.Thr253Ile). This variant is not present in population databases (gnomAD no frequency). This variant has not been reported in the literature in individuals affected with ATP1A1-related conditions. Advanced modeling of protein sequence and biophysical properties (such as structural, functional, and spatial information, amino acid conservation, physicochemical variation, residue mobility, and thermodynamic stability) performed at Invitae indicates that this missense variant is not expected to disrupt ATP1A1 protein function with a negative predictive value of 80%. In summary, the available evidence is currently insufficient to determine the role of this variant in disease. Therefore, it has been classified as a Variant of Uncertain Significance.